The following is an entry in ClinVar:

ClinVar aggregate classification (germline): Pathogenic (1 of 4 stars; one submission).

Submission:

Labcorp Genetics (formerly Invitae), Labcorp
Classification: Pathogenic. Last evaluated: 2024-10-17. Review status: criteria provided, single submitter. Criteria: Invitae Variant Classification Sherloc (09022015). Collection method: clinical testing. Allele origin: germline.
Comment: This sequence change creates a premature translational stop signal (p.Thr274Hisfs*44) in the UNC80 gene. It is expected to result in an absent or disrupted protein product. Loss-of-function variants in UNC80 are known to be pathogenic (PMID: 26545877, 26708751, 26708753). This variant is not present in population databases (gnomAD no frequency). This variant has not been reported in the literature in individuals affected with UNC80-related conditions. ClinVar contains an entry for this variant (Variation ID: 1378288). For these reasons, this variant has been classified as Pathogenic.

Literature cited by the submitters: PubMed 26545877; PubMed 26708751; PubMed 26708753.

NM_001371986.1(UNC80):c.820del (p.Thr274fs)

Gene: UNC80 (unc-80 subunit of NALCN channel complex; plus strand). Cytogenetic location: 2q34.
Variant type: Deletion.
Coding change: c.820del on transcript NM_001371986.1 (MANE Select); coding-DNA position 820, one base deleted (A; older notation c.820delA).
Protein change: p.Thr274fs; shifts the reading frame from threonine 274.
Molecular consequence: frameshift variant.
Genome position (GRCh38, 1-based): chr2:209,793,741, A deleted; the last of 3 consecutive A bases (chr2:209,793,739-209,793,741); deleting any one gives the same sequence. VCF-style (leftmost placement, unchanged base first): chr2-209793738-GA-G. GRCh37 (hg19) VCF-style: chr2-210658462-GA-G.
Other names: c.820del, p.Thr274fs (NM_032504.2, NM_182587.4); short protein forms T274fs.
Identifiers: ClinVar variation 1378288 (VCV001378288.6), dbSNP rs2153825777, ClinGen allele CA2573135164.